The following is an entry in ClinVar:

NM_016169.4(SUFU):c.1376C>G (p.Pro459Arg)

Gene: SUFU (SUFU negative regulator of hedgehog signaling; plus strand). Cytogenetic location: 10q24.32.
Variant type: single nucleotide variant.
Coding change: c.1376C>G on transcript NM_016169.4 (MANE Select); coding-DNA position 1376, C replaced by G.
Protein change: p.Pro459Arg; replaces proline 459 with arginine.
Molecular consequence: missense variant.
Genome position (GRCh38, 1-based): chr10:102,630,076, C>G. VCF-style: chr10-102630076-C-G. GRCh37 (hg19) VCF-style: chr10-104389833-C-G.
Other names: short protein forms P459R.
Identifiers: ClinVar variation 3802878 (VCV003802878.1).
Genomic context (GRCh38, chr10:102,630,076, plus strand): 5'-GTATTCTGCTAACCACTCACACTCCTGGTCTGTGCTTGCTCCCTCCACAGTTCAAACTTC[C>G]CAAAGAGTACAGCTGGCCTGAAAAGAAGCTGAAGGTCTCCATCCTGCCTGACGTGGTGTT-3'
Protein context (NP_057253.2, residues 449-469): DLTSPEEFKL[Pro459Arg]KEYSWPEKKL

ClinVar aggregate classification (germline): Uncertain significance (1 of 4 stars; one submission).

Conditions:
Hereditary cancer-predisposing syndrome. Also called: Neoplastic Syndromes, Hereditary; Hereditary Cancer Syndrome; Tumor predisposition; Hereditary neoplastic syndrome. Identifiers: Orphanet 140162, MedGen C0027672, MeSH D009386, MONDO:0015356.

Submission:

Ambry Genetics
Classification: Uncertain significance for Hereditary cancer-predisposing syndrome. Last evaluated: 2025-01-04. Review status: criteria provided, single submitter. Criteria: Ambry Variant Classification Scheme 2023. Collection method: clinical testing. Allele origin: germline.
Comment: The p.P459R variant (also known as c.1376C>G), located in coding exon 12 of the SUFU gene, results from a C to G substitution at nucleotide position 1376. The proline at codon 459 is replaced by arginine, an amino acid with dissimilar properties. This amino acid position is conserved. In addition, the in silico prediction for this alteration is inconclusive. Based on the available evidence, the clinical significance of this variant remains unclear.